The following is an entry in ClinVar:

NM_004629.2(FANCG):c.1715G>A (p.Trp572Ter)

Gene: FANCG (FA complementation group G; minus strand). Cytogenetic location: 9p13.3.
Variant type: single nucleotide variant.
Coding change: c.1715G>A on transcript NM_004629.2 (MANE Select); coding-DNA position 1715, G replaced by A.
Protein change: p.Trp572Ter; replaces tryptophan 572 with a stop codon.
Molecular consequence: nonsense.
Genome position (GRCh38, 1-based): chr9:35,074,416, C>T on the plus strand (G>A on the coding strand, the complement: FANCG is on the minus strand). VCF-style: chr9-35074416-C-T. GRCh37 (hg19) VCF-style: chr9-35074413-C-T.
Other names: short protein forms W572*.
Identifiers: ClinVar variation 929705 (VCV000929705.6), dbSNP rs1829041127, ClinGen allele CA373300665.

ClinVar aggregate classification (germline): Pathogenic/Likely pathogenic. Review status: criteria provided, multiple submitters, no conflicts (2 of 4 stars). 3 submissions from 3 submitters: Pathogenic (1); Likely pathogenic (1). 1 of the submissions does not count toward it. Last evaluated 2025-12-13.

Conditions:
Fanconi anemia complementation group G. Also called: FANCG-Related Fanconi Anemia; Fanconi anemia group G. Identifiers: Orphanet 84, MedGen C3469527, MONDO:0013565, OMIM 614082.
Fanconi anemia (FA). Also called: Fanconi's anemia. Identifiers: Orphanet 84, MedGen C0015625, MeSH D005199, MONDO:0019391.

Allele frequency attached by ClinVar (database versions not stated): gnomAD exomes below 0.00001.
gnomAD v4.1: 2 of 1,614,198 alleles (0.00012%); highest among the groups gnomAD compares: South Asian, 0.0011%; no homozygotes.

Submissions (3):

Labcorp Genetics (formerly Invitae), Labcorp
Classification: Pathogenic for Fanconi anemia. Last evaluated: 2025-12-13. Review status: criteria provided, single submitter. Criteria: Invitae Variant Classification Sherloc (09022015). Collection method: clinical testing. Allele origin: germline.
Comment: This sequence change creates a premature translational stop signal (p.Trp572*) in the FANCG gene. It is expected to result in an absent or disrupted protein product. Loss-of-function variants in FANCG are known to be pathogenic (PMID: 12552564). This variant is not present in population databases (gnomAD no frequency). This premature translational stop signal has been observed in individual(s) with Fanconi anemia (PMID: 11093276, 24584348). ClinVar contains an entry for this variant (Variation ID: 929705). For these reasons, this variant has been classified as Pathogenic.

Baylor Genetics
Classification: Likely pathogenic for Fanconi anemia complementation group G. Last evaluated: 2022-09-19. Review status: criteria provided, single submitter. Criteria: ACMG Guidelines, 2015. Collection method: clinical testing. Allele origin: unknown.

Leiden Open Variation Database
Classification: Pathogenic for Fanconi anemia complementation group G. Last evaluated: 2011-02-07. Review status: no assertion criteria provided. Collection method: curation. Allele origin: germline. Affected: yes. Not counted in ClinVar's aggregate classification.
Comment: Curator: Arleen D. Auerbach. Submitter to LOVD: Arleen D. Auerbach.

Literature cited by the submitters: PubMed 12552564 (cited by Labcorp Genetics (formerly Invitae), Labcorp); PubMed 11093276 (cited by Labcorp Genetics (formerly Invitae), Labcorp and Leiden Open Variation Database); PubMed 24584348 (cited by Labcorp Genetics (formerly Invitae), Labcorp).